The following is an entry in ClinVar:

ClinVar aggregate classification (germline): Likely pathogenic (1 of 4 stars; one submission).

Conditions:
Acyl-CoA oxidase deficiency. Also called: Peroxisomal acyl-CoA oxidase deficiency; Pseudoneonatal adrenoleukodystrophy; STRAIGHT-CHAIN ACYL-CoA OXIDASE DEFICIENCY. Identifiers: Orphanet 2971, MedGen C1849678, MONDO:0009919, OMIM 264470. Disease mechanism: loss of function.

Submission:

Labcorp Genetics (formerly Invitae), Labcorp
Classification: Likely pathogenic for Acyl-CoA oxidase deficiency. Last evaluated: 2023-11-14. Review status: criteria provided, single submitter. Criteria: Invitae Variant Classification Sherloc (09022015). Collection method: clinical testing. Allele origin: germline.
Comment: This variant results in the deletion of part of exon 6 (c.679_774+103del) of the ACOX1 gene. It is expected to disrupt RNA splicing. Variants that disrupt the donor or acceptor splice site typically lead to a loss of protein function (PMID: 16199547), and loss-of-function variants in ACOX1 are known to be pathogenic (PMID: 8040306, 17458872). This variant is not present in population databases (gnomAD no frequency). This variant has not been reported in the literature in individuals affected with ACOX1-related conditions. This variant disrupts a region of the ACOX1 protein in which other variant(s) (p.Gly231Val) have been observed in individuals with ACOX1-related conditions (PMID: 17458872). This suggests that this is a clinically significant region of the protein, and that variants that disrupt it are likely to be disease-causing. In summary, the currently available evidence indicates that the variant is pathogenic, but additional data are needed to prove that conclusively. Therefore, this variant has been classified as Likely Pathogenic.

Literature cited by the submitters: PubMed 16199547; PubMed 8040306; PubMed 17458872.

NM_004035.7(ACOX1):c.679_774+103del

Gene: ACOX1 (acyl-CoA oxidase 1; minus strand). Cytogenetic location: 17q25.1.
Variant type: Deletion.
Coding change: c.679_774+103del on transcript NM_004035.7 (MANE Select); coding-DNA position 679 through 103 bases into the intron after coding-DNA position 774, 199 bases deleted.
Molecular consequence: splice donor variant.
Genome position (GRCh38, 1-based): chr17:75,955,463-75,955,661, 199 bases deleted. GRCh37 (hg19): chr17:73,951,545-73,951,743.
Other names: c.679_774+103del (NM_007292.6); c.565_660+103del (NM_001185039.2).
Identifiers: ClinVar variation 2695823 (VCV002695823.3), dbSNP rs2546079404, ClinGen allele CA2697555200.